The following is an entry in ClinVar:

NM_003906.5(MCM3AP):c.149C>T (p.Ser50Leu)

Gene: MCM3AP (minichromosome maintenance complex component 3 associated protein; minus strand). Cytogenetic location: 21q22.3.
Variant type: single nucleotide variant.
Coding change: c.149C>T on transcript NM_003906.5 (MANE Select); coding-DNA position 149, C replaced by T.
Protein change: p.Ser50Leu; replaces serine 50 with leucine.
Molecular consequence: missense variant.
Genome position (GRCh38, 1-based): chr21:46,285,138, G>A on the plus strand (C>T on the coding strand, the complement: MCM3AP is on the minus strand). VCF-style: chr21-46285138-G-A. GRCh37 (hg19) VCF-style: chr21-47705052-G-A.
Other names: short protein forms S50L.
Identifiers: ClinVar variation 1963232 (VCV001963232.2), dbSNP rs762900381, ClinGen allele CA10077406.

ClinVar aggregate classification (germline): Uncertain significance (1 of 4 stars; one submission).

Allele frequency attached by ClinVar (database versions not stated): ExAC 0.00002; gnomAD exomes 0.00007.

Submission:

Labcorp Genetics (formerly Invitae), Labcorp
Classification: Uncertain significance. Last evaluated: 2022-02-27. Review status: criteria provided, single submitter. Criteria: Invitae Variant Classification Sherloc (09022015). Collection method: clinical testing. Allele origin: germline.
Comment: This sequence change replaces serine, which is neutral and polar, with leucine, which is neutral and non-polar, at codon 50 of the MCM3AP protein (p.Ser50Leu). This variant is present in population databases (rs762900381, gnomAD 0.004%). This variant has not been reported in the literature in individuals affected with MCM3AP-related conditions. Algorithms developed to predict the effect of missense changes on protein structure and function output the following: SIFT: "Tolerated"; PolyPhen-2: "Benign"; Align-GVGD: "Class C0". The leucine amino acid residue is found in multiple mammalian species, which suggests that this missense change does not adversely affect protein function. In summary, the available evidence is currently insufficient to determine the role of this variant in disease. Therefore, it has been classified as a Variant of Uncertain Significance.